The following is an entry in ClinVar:

NM_053025.4(MYLK):c.5237A>C (p.Gln1746Pro)

Genes: MYLK-AS1 (MYLK antisense RNA 1; plus strand), MYLK (myosin light chain kinase; minus strand). Cytogenetic location: 3q21.1.
Variant type: single nucleotide variant.
Coding change: c.5237A>C on transcript NM_053025.4 (MANE Select); coding-DNA position 5237, A replaced by C.
Protein change: p.Gln1746Pro; replaces glutamine 1746 with proline.
Molecular consequence: missense variant.
Genome position (GRCh38, 1-based): chr3:123,626,819, T>G on the plus strand (A>C on the coding strand, the complement: MYLK is on the minus strand). VCF-style: chr3-123626819-T-G. GRCh37 (hg19) VCF-style: chr3-123345666-T-G.
Other names: c.4709A>C, p.Gln1570Pro (NM_001321309.2); c.5030A>C, p.Gln1677Pro (NM_053026.4); c.5084A>C, p.Gln1695Pro (NM_053027.4); c.4877A>C, p.Gln1626Pro (NM_053028.4); short protein forms Q1746P, Q1570P, Q1626P, Q1677P, Q1695P.
Identifiers: ClinVar variation 519998 (VCV000519998.7), dbSNP rs1226517649, ClinGen allele CA354232785.

ClinVar aggregate classification (germline): Uncertain significance. Review status: criteria provided, multiple submitters, no conflicts (2 of 4 stars). 2 submissions from 2 submitters: Uncertain significance (2). Last evaluated 2025-11-05.

Conditions:
Familial thoracic aortic aneurysm and aortic dissection (TAAD). Also called: Thoracic aortic aneurysms and dissections. Identifiers: Orphanet 91387, MedGen C4707243, MONDO:0019625.
Aortic aneurysm, familial thoracic 7 (AAT7). Also called: AORTIC DISSECTION, FAMILIAL, WITH OR WITHOUT AORTIC ANEURYSM. Identifiers: MedGen C3151077, MONDO:0013418, OMIM 613780.

Allele frequency attached by ClinVar (database versions not stated): gnomAD 0.00001; TOPMed 0.00001.
gnomAD v4.1: 1 of 1,614,094 alleles (0.000062%); highest among the groups gnomAD compares: Non-Finnish European, 0.000085%; no homozygotes.

Submissions (2):

Labcorp Genetics (formerly Invitae), Labcorp
Classification: Uncertain significance for Aortic aneurysm, familial thoracic 7. Last evaluated: 2025-11-05. Review status: criteria provided, single submitter. Criteria: Invitae Variant Classification Sherloc (09022015). Collection method: clinical testing. Allele origin: germline.
Comment: This sequence change replaces glutamine, which is neutral and polar, with proline, which is neutral and non-polar, at codon 1746 of the MYLK protein (p.Gln1746Pro). This variant is present in population databases (no rsID available, gnomAD 0.007%). This variant has not been reported in the literature in individuals affected with MYLK-related conditions. ClinVar contains an entry for this variant (Variation ID: 519998). An algorithm developed to predict the effect of missense changes on protein structure and function (PolyPhen-2) suggests that this variant is likely to be tolerated. In summary, the available evidence is currently insufficient to determine the role of this variant in disease. Therefore, it has been classified as a Variant of Uncertain Significance.

Ambry Genetics
Classification: Uncertain significance for Familial thoracic aortic aneurysm and aortic dissection. Last evaluated: 2025-06-28. Review status: criteria provided, single submitter. Criteria: Ambry Variant Classification Scheme 2023. Collection method: clinical testing. Allele origin: germline.
Comment: The p.Q1746P variant (also known as c.5237A>C), located in coding exon 28 of the MYLK gene, results from an A to C substitution at nucleotide position 5237. The glutamine at codon 1746 is replaced by proline, an amino acid with similar properties. This nucleotide position and amino acid position are highly conserved in available vertebrate species. Using the BDGP and ESEfinder splice site prediction tools, this alteration is predicted to weaken the efficiency of the native splice donor site; however, direct evidence is unavailable. In addition, this alteration is predicted to be deleterious by in silico analysis. Since supporting evidence is limited at this time, the clinical significance of this alteration remains unclear.